The following is an entry in ClinVar:

ClinVar aggregate classification (germline): Uncertain significance (1 of 4 stars; one submission).

Submission:

Ambry Genetics
Classification: Uncertain significance. Last evaluated: 2023-03-15. Review status: criteria provided, single submitter. Criteria: Ambry Variant Classification Scheme 2023. Collection method: clinical testing. Allele origin: germline.
Comment: The p.M601I variant (also known as c.1803G>C), located in coding exon 9 of the PALLD gene, results from a G to C substitution at nucleotide position 1803. The methionine at codon 601 is replaced by isoleucine, an amino acid with highly similar properties. This amino acid position is conserved. In addition, this alteration is predicted to be tolerated by in silico analysis. Since supporting evidence is limited at this time, the clinical significance of this alteration remains unclear.

NM_001166108.2(PALLD):c.1803G>C (p.Met601Ile)

Gene: PALLD (palladin, cytoskeletal associated protein; plus strand). Cytogenetic location: 4q32.3.
Variant type: single nucleotide variant.
Coding change: c.1803G>C on transcript NM_001166108.2 (MANE Select); coding-DNA position 1803, G replaced by C.
Protein change: p.Met601Ile; replaces methionine 601 with isoleucine.
Molecular consequence: missense variant.
Genome position (GRCh38, 1-based): chr4:168,711,762, G>C. VCF-style: chr4-168711762-G-C. GRCh37 (hg19) VCF-style: chr4-169632913-G-C.
Other names: c.657G>C, p.Met219Ile (NM_001166109.2); c.1803G>C, p.Met601Ile (NM_016081.4); short protein forms M219I, M601I.
Identifiers: ClinVar variation 2563376 (VCV002563376.2), dbSNP rs2531856220, ClinGen allele CA358798342.